The following is an entry in ClinVar:

ClinVar aggregate classification (germline): Uncertain significance. Review status: criteria provided, multiple submitters, no conflicts (2 of 4 stars). 2 submissions from 2 submitters: Uncertain significance (2). Last evaluated 2025-08-30.

Allele frequency attached by ClinVar (database versions not stated): TOPMed 0.00001; gnomAD exomes below 0.00001.
gnomAD v4.1: 1 of 1,613,690 alleles (0.000062%); highest among the groups gnomAD compares: Non-Finnish European, 0.000085%; no homozygotes.

Submissions (2):

Labcorp Genetics (formerly Invitae), Labcorp
Classification: Uncertain significance. Last evaluated: 2025-08-30. Review status: criteria provided, single submitter. Criteria: Invitae Variant Classification Sherloc (09022015). Collection method: clinical testing. Allele origin: germline.
Comment: This sequence change replaces proline, which is neutral and non-polar, with arginine, which is basic and polar, at codon 184 of the ANKZF1 protein (p.Pro184Arg). This variant is not present in population databases (gnomAD no frequency). This variant has not been reported in the literature in individuals affected with ANKZF1-related conditions. ClinVar contains an entry for this variant (Variation ID: 3005694). An algorithm developed to predict the effect of missense changes on protein structure and function (PolyPhen-2) suggests that this variant is likely to be tolerated. In summary, the available evidence is currently insufficient to determine the role of this variant in disease. Therefore, it has been classified as a Variant of Uncertain Significance.

Ambry Genetics
Classification: Uncertain significance. Last evaluated: 2025-08-28. Review status: criteria provided, single submitter. Criteria: Ambry Variant Classification Scheme 2023. Collection method: clinical testing. Allele origin: germline.

NM_018089.3(ANKZF1):c.551C>G (p.Pro184Arg)

Gene: ANKZF1 (ankyrin repeat and zinc finger peptidyl tRNA hydrolase 1; plus strand). Cytogenetic location: 2q35.
Variant type: single nucleotide variant.
Coding change: c.551C>G on transcript NM_018089.3 (MANE Select); coding-DNA position 551, C replaced by G.
Protein change: p.Pro184Arg; replaces proline 184 with arginine.
Molecular consequence: missense variant. On other transcripts: 5 prime UTR variant (1).
Genome position (GRCh38, 1-based): chr2:219,232,676, C>G. VCF-style: chr2-219232676-C-G. GRCh37 (hg19) VCF-style: chr2-220097398-C-G.
Other names: c.551C>G (NM_018089.2); c.551C>G, p.Pro184Arg (NM_001042410.2); c.-80C>G (NM_001282792.2); short protein forms P184R.
Identifiers: ClinVar variation 3005694 (VCV003005694.4), dbSNP rs1574847012, ClinGen allele CA350674185.